The following is an entry in ClinVar:

ClinVar aggregate classification (germline): Uncertain significance (1 of 4 stars; one submission).

Conditions:
Nemaline myopathy 2 (NEM2). Also called: Nemaline myopathy 2, autosomal recessive. Identifiers: MedGen C1850569, MONDO:0009725, OMIM 256030.

Submission:

Labcorp Genetics (formerly Invitae), Labcorp
Classification: Uncertain significance for Nemaline myopathy 2. Last evaluated: 2022-02-23. Review status: criteria provided, single submitter. Criteria: Invitae Variant Classification Sherloc (09022015). Collection method: clinical testing. Allele origin: germline.
Comment: This sequence change replaces lysine, which is basic and polar, with asparagine, which is neutral and polar, at codon 1306 of the NEB protein (p.Lys1306Asn). This variant is not present in population databases (gnomAD no frequency). This variant has not been reported in the literature in individuals affected with NEB-related conditions. Algorithms developed to predict the effect of missense changes on protein structure and function are either unavailable or do not agree on the potential impact of this missense change (SIFT: "Deleterious"; PolyPhen-2: "Not Available"; Align-GVGD: "Class C0"). In summary, the available evidence is currently insufficient to determine the role of this variant in disease. Therefore, it has been classified as a Variant of Uncertain Significance.

NM_001164508.2(NEB):c.3918G>T (p.Lys1306Asn)

Gene: NEB (nebulin; minus strand). Cytogenetic location: 2q23.3.
Variant type: single nucleotide variant.
Coding change: c.3918G>T on transcript NM_001164508.2 (MANE Select); coding-DNA position 3918, G replaced by T.
Protein change: p.Lys1306Asn; replaces lysine 1306 with asparagine.
Molecular consequence: missense variant.
Genome position (GRCh38, 1-based): chr2:151,674,546, C>A on the plus strand (G>T on the coding strand, the complement: NEB is on the minus strand). VCF-style: chr2-151674546-C-A. GRCh37 (hg19) VCF-style: chr2-152531060-C-A.
Other names: c.3918G>T, p.Lys1306Asn (NM_001164507.2, NM_001271208.2, NM_004543.5); short protein forms K1306N.
Identifiers: ClinVar variation 1956530 (VCV001956530.2), dbSNP rs368682145, ClinGen allele CA348817758.